The following is an entry in ClinVar:

ClinVar aggregate classification (germline): Likely pathogenic (1 of 4 stars; one submission).

Submission:

Dasa
Classification: Likely pathogenic. Last evaluated: 2025-12-08. Review status: criteria provided, single submitter. Criteria: DASA Assertion Criteria. Collection method: clinical testing. Allele origin: germline.
Comment: NM_005554.4(KRT6A):c.1249dup (p.Glu417Glyfs*56) is a frameshift variant in KRT6A predicted to alter the reading frame and introduce a premature termination codon and is predicted to result in an absent or altered protein product. Loss of function is an established disease mechanism for KRT6A-associated disorders. Also, this variant is rare in population databases. Based on the currently available evidence, this variant is classified as likely pathogenic.

NM_005554.4(KRT6A):c.1249dup (p.Glu417fs)

Gene: KRT6A (keratin 6A; minus strand). Cytogenetic location: 12q13.13.
Variant type: Duplication.
Coding change: c.1249dup on transcript NM_005554.4 (MANE Select); coding-DNA position 1249, one base duplicated (G; older notation c.1249dupG).
Protein change: p.Glu417fs; shifts the reading frame from glutamic acid 417.
Molecular consequence: frameshift variant.
Genome position (GRCh38, 1-based): chr12:52,488,503, C duplicated on the plus strand (G on the coding strand, the reverse complement: KRT6A is on the minus strand); the first of 4 consecutive C bases (chr12:52,488,503-52,488,506); duplicating any one gives the same sequence. VCF-style (leftmost placement, unchanged base first): chr12-52488502-T-TC. GRCh37 (hg19) VCF-style: chr12-52882286-T-TC.
Other names: short protein forms E417fs.
Identifiers: ClinVar variation 4880584 (VCV004880584.2).
Genomic context (GRCh38, chr12:52,488,502, plus strand): 5'-GCCTTCTGCAGGGCATCCTCCAGCCCTTCCAGCTTGTTCTTGGCATCCTTGAGGGCCATC[T>TC]CCCCACGCTGCTCAGCATCAGCAATGGCGGCCTGCAGGTTGGCGCACTGGAAGAGGAAAG-3'